The following is an entry in ClinVar:

NM_000138.5(FBN1):c.7655_7656del (p.Cys2552fs)

Gene: FBN1 (fibrillin 1; minus strand). Cytogenetic location: 15q21.1.
Variant type: Deletion.
Coding change: c.7655_7656del on transcript NM_000138.5 (MANE Select); coding-DNA positions 7655 to 7656, 2 bases deleted (GC; older notation c.7655_7656delGC).
Protein change: p.Cys2552fs; shifts the reading frame from cysteine 2552.
Molecular consequence: frameshift variant.
Genome position (GRCh38, 1-based): chr15:48,421,601-48,421,602, GC deleted on the plus strand (GC on the coding strand, the reverse complement: FBN1 is on the minus strand). VCF-style (leftmost placement, unchanged base first): chr15-48421600-GGC-G. GRCh37 (hg19) VCF-style: chr15-48713797-GGC-G.
Other names: short protein forms C2552fs.
Identifiers: ClinVar variation 655510 (VCV000655510.6), dbSNP rs1597513323, ClinGen allele CA915946626.

ClinVar aggregate classification (germline): Pathogenic (1 of 4 stars; one submission).

Conditions:
Familial thoracic aortic aneurysm and aortic dissection (TAAD). Also called: Thoracic aortic aneurysms and dissections. Identifiers: Orphanet 91387, MedGen C4707243, MONDO:0019625.
Marfan syndrome (MFS). Also called: FBN1-Related Marfan Syndrome; Marfan syndrome type 1; Marfan's syndrome; Marfan syndrome, classic; MARFAN SYNDROME, TYPE I. Identifiers: Orphanet 284963, Orphanet 558, MedGen C0024796, MONDO:0007947, OMIM 154700.

Submission:

Labcorp Genetics (formerly Invitae), Labcorp
Classification: Pathogenic for Marfan syndrome; Familial thoracic aortic aneurysm and aortic dissection. Last evaluated: 2018-12-14. Review status: criteria provided, single submitter. Criteria: Invitae Variant Classification Sherloc (09022015). Collection method: clinical testing. Allele origin: germline.
Comment: This variant has not been reported in the literature in individuals with FBN1-related conditions. This variant is not present in population databases (ExAC no frequency). This sequence change creates a premature translational stop signal (p.Cys2552Serfs*7) in the FBN1 gene. It is expected to result in an absent or disrupted protein product. Loss-of-function variants in FBN1 are known to be pathogenic (PMID: 17657824, 19293843). For these reasons, this variant has been classified as Pathogenic.

Literature cited by the submitters: PubMed 17657824; PubMed 19293843.